The following is an entry in ClinVar:

NM_002098.6(GUCA1B):c.310G>A (p.Asp104Asn)

Gene: GUCA1B (guanylate cyclase activator 1B; minus strand). Cytogenetic location: 6p21.1.
Variant type: single nucleotide variant.
Coding change: c.310G>A on transcript NM_002098.6 (MANE Select); coding-DNA position 310, G replaced by A.
Protein change: p.Asp104Asn; replaces aspartic acid 104 with asparagine.
Molecular consequence: missense variant.
Genome position (GRCh38, 1-based): chr6:42,188,629, C>T on the plus strand (G>A on the coding strand, the complement: GUCA1B is on the minus strand). VCF-style: chr6-42188629-C-T. GRCh37 (hg19) VCF-style: chr6-42156367-C-T.
Other names: short protein forms D104N.
Identifiers: ClinVar variation 1347434 (VCV001347434.8), dbSNP rs1486991919, ClinGen allele CA364112971.

ClinVar aggregate classification (germline): Uncertain significance (1 of 4 stars; one submission).

Allele frequency attached by ClinVar (database versions not stated): gnomAD exomes below 0.00001; TOPMed below 0.00001.
gnomAD v4.1: 2 of 1,614,174 alleles (0.00012%); highest among the groups gnomAD compares: Non-Finnish European, 0.000085%; no homozygotes.

Submission:

Labcorp Genetics (formerly Invitae), Labcorp
Classification: Uncertain significance. Last evaluated: 2023-05-08. Review status: criteria provided, single submitter. Criteria: Invitae Variant Classification Sherloc (09022015). Collection method: clinical testing. Allele origin: germline.
Comment: In summary, the available evidence is currently insufficient to determine the role of this variant in disease. Therefore, it has been classified as a Variant of Uncertain Significance. This sequence change replaces aspartic acid, which is acidic and polar, with asparagine, which is neutral and polar, at codon 104 of the GUCA1B protein (p.Asp104Asn). This variant is present in population databases (no rsID available, gnomAD no frequency). This variant has not been reported in the literature in individuals affected with GUCA1B-related conditions. ClinVar contains an entry for this variant (Variation ID: 1347434). An algorithm developed to predict the effect of missense changes on protein structure and function (PolyPhen-2) suggests that this variant is likely to be disruptive.